The following is an entry in ClinVar:

NM_000192.3(TBX5):c.-305C>A

Gene: TBX5 (T-box transcription factor 5; minus strand). Cytogenetic location: 12q24.21.
Variant type: single nucleotide variant.
Coding change: c.-305C>A on transcript NM_000192.3; 305 bases upstream of the start codon, C replaced by A.
Molecular consequence: 5 prime UTR variant.
Genome position (GRCh38, 1-based): chr12:114,408,080, G>T on the plus strand (C>A on the coding strand, the complement: TBX5 is on the minus strand). VCF-style: chr12-114408080-G-T. GRCh37 (hg19) VCF-style: chr12-114845885-G-T.
Identifiers: ClinVar variation 307315 (VCV000307315.7), dbSNP rs78462880, ClinGen allele CA10636549.

ClinVar aggregate classification (germline): Benign (1 of 4 stars; one submission).

Conditions:
Holt-Oram syndrome (HOS). Also called: TBX5-Related Holt-Oram Syndrome; Ventriculo-radial syndrome; Cardiac-limb syndrome; Heart-hand syndrome, type 1. Identifiers: Orphanet 392, MedGen C0265264, MONDO:0007732, OMIM 142900.

Allele frequency attached by ClinVar (database versions not stated): gnomAD exomes 0.00331; 1000 Genomes Project 30x 0.04294; 1000 Genomes Project 0.04054; gnomAD 0.04128 and 0.04438; TOPMed 0.04704.
gnomAD v4.1: 9,049 of 985,308 alleles (0.92%); highest among the groups gnomAD compares: African/African-American, 14%; 618 homozygotes.

Submission:

Illumina Laboratory Services, Illumina
Classification: Benign for Holt-Oram syndrome. Last evaluated: 2018-01-12. Review status: criteria provided, single submitter. Criteria: ICSL Variant Classification Criteria 13 December 2019. Collection method: clinical testing. Allele origin: germline.
Comment: This variant was observed in the ICSL laboratory as part of a predisposition screen in an ostensibly healthy population. It had not been previously curated by ICSL or reported in the Human Gene Mutation Database (HGMD: prior to June 1st, 2018), and was therefore a candidate for classification through an automated scoring system. Utilizing variant allele frequency, disease prevalence and penetrance estimates, and inheritance mode, an automated score was calculated to assess if this variant is too frequent to cause the disease. Based on the score and internal cut-off values, a variant classified as benign is not then subjected to further curation. The score for this variant resulted in a classification of benign for this disease.